The following is an entry in ClinVar:

NM_001377540.1(SLMAP):c.79C>G (p.Pro27Ala)

Gene: SLMAP (sarcolemma associated protein; plus strand). Cytogenetic location: 3p14.3.
Variant type: single nucleotide variant.
Coding change: c.79C>G on transcript NM_001377540.1 (MANE Select); coding-DNA position 79, C replaced by G.
Protein change: p.Pro27Ala; replaces proline 27 with alanine.
Molecular consequence: missense variant. On other transcripts: non-coding transcript variant (1).
Genome position (GRCh38, 1-based): chr3:57,757,730, C>G. VCF-style: chr3-57757730-C-G. GRCh37 (hg19) VCF-style: chr3-57743457-C-G.
Other names: c.79C>G, p.Pro27Ala (NM_001377545.1, NM_001377549.1, NM_001377551.1 and 17 more transcripts); short protein forms P27A.
Identifiers: ClinVar variation 3662362 (VCV003662362.2).

ClinVar aggregate classification (germline): Uncertain significance (1 of 4 stars; one submission).

Conditions:
Brugada syndrome. Also called: Sudden Unexplained Nocturnal Death Syndrome (SUNDS); Sudden Unexplained Death Syndrome; Sudden unexpected nocturnal death syndrome; Sudden unexplained nocturnal death syndrome. Identifiers: Orphanet 130, MedGen C1142166, MONDO:0015263.

Submission:

Labcorp Genetics (formerly Invitae), Labcorp
Classification: Uncertain significance for Brugada syndrome. Last evaluated: 2024-09-03. Review status: criteria provided, single submitter. Criteria: Invitae Variant Classification Sherloc (09022015). Collection method: clinical testing. Allele origin: germline.
Comment: This sequence change replaces proline, which is neutral and non-polar, with alanine, which is neutral and non-polar, at codon 27 of the SLMAP protein (p.Pro27Ala). This variant is not present in population databases (gnomAD no frequency). This variant has not been reported in the literature in individuals affected with SLMAP-related conditions. An algorithm developed to predict the effect of missense changes on protein structure and function (PolyPhen-2) suggests that this variant is likely to be disruptive. In summary, the available evidence is currently insufficient to determine the role of this variant in disease. Therefore, it has been classified as a Variant of Uncertain Significance.